The following is an entry in ClinVar:

ClinVar aggregate classification (germline): Uncertain significance (1 of 4 stars; one submission).

Conditions:
Neuronal ceroid lipofuscinosis. Also called: Neuronal Ceroid Lipofuscinoses. Identifiers: Orphanet 216, Orphanet 79263, MedGen C0027877, MONDO:0016295. Disease mechanism: loss of function.

Allele frequency attached by ClinVar (database versions not stated): gnomAD exomes below 0.00001; TOPMed below 0.00001; ExAC 0.00001; gnomAD 0.00001.
gnomAD v4.1: 3 of 1,614,038 alleles (0.00019%); highest among the groups gnomAD compares: East Asian, 0.0045%; no homozygotes.

Submission:

Labcorp Genetics (formerly Invitae), Labcorp
Classification: Uncertain significance for Neuronal ceroid lipofuscinosis. Last evaluated: 2025-03-10. Review status: criteria provided, single submitter. Criteria: Invitae Variant Classification Sherloc (09022015). Collection method: clinical testing. Allele origin: germline.
Comment: This sequence change replaces histidine, which is basic and polar, with tyrosine, which is neutral and polar, at codon 122 of the CLN8 protein (p.His122Tyr). The frequency data for this variant in the population databases is considered unreliable, as metrics indicate poor data quality at this position in the gnomAD database. This variant has not been reported in the literature in individuals affected with CLN8-related conditions. ClinVar contains an entry for this variant (Variation ID: 1437385). An algorithm developed to predict the effect of missense changes on protein structure and function outputs the following: PolyPhen-2: "Benign". The tyrosine amino acid residue is found in multiple mammalian species, which suggests that this missense change does not adversely affect protein function. In summary, the available evidence is currently insufficient to determine the role of this variant in disease. Therefore, it has been classified as a Variant of Uncertain Significance.

NM_018941.4(CLN8):c.364C>T (p.His122Tyr)

Gene: CLN8 (CLN8 transmembrane ER and ERGIC protein; plus strand). Cytogenetic location: 8p23.3.
Variant type: single nucleotide variant.
Coding change: c.364C>T on transcript NM_018941.4 (MANE Select); coding-DNA position 364, C replaced by T.
Protein change: p.His122Tyr; replaces histidine 122 with tyrosine.
Molecular consequence: missense variant.
Genome position (GRCh38, 1-based): chr8:1,771,418, C>T. VCF-style: chr8-1771418-C-T. GRCh37 (hg19) VCF-style: chr8-1719584-C-T.
Other names: short protein forms H122Y.
Identifiers: ClinVar variation 1437385 (VCV001437385.8), dbSNP rs746051539, ClinGen allele CA4599255.
Genomic context (GRCh38, chr8:1,771,418, plus strand): 5'-TGGTGCTGGTTTCACATCACGACAGCAACGGGATTCTTTTGCTTTGAAAATGTTGCAGTC[C>T]ACCTGTCCAACTTGATCTTCCGGACATTTGACTTGTTTCTGGTTATCCACCATCTCTTTG-3'
Protein context (NP_061764.2, residues 112-132): GFFCFENVAV[His122Tyr]LSNLIFRTFD